The following is an entry in ClinVar:

ClinVar aggregate classification (germline): Pathogenic. Review status: criteria provided, multiple submitters, no conflicts (2 of 4 stars). 2 submissions from 2 submitters: Pathogenic (2). Last evaluated 2023-04-11.

Conditions:
Developmental and epileptic encephalopathy, 11 (DEE11). Also called: Early infantile epileptic encephalopathy 11. Identifiers: Orphanet 1934, MedGen C3150987, MONDO:0013388, OMIM 613721.

Submissions (2):

Laboratoire de Génétique Moléculaire, CHU Bordeaux
Classification: Pathogenic for Developmental and epileptic encephalopathy, 11. Last evaluated: 2023-04-11. Review status: criteria provided, single submitter. Criteria: ACMG Guidelines, 2015. Collection method: clinical testing. Allele origin: germline. Affected: yes.

Institute of Human Genetics, University of Leipzig Medical Center
Classification: Pathogenic for Developmental and epileptic encephalopathy, 11. Last evaluated: 2022-07-19. Review status: criteria provided, single submitter. Criteria: ACMG Guidelines, 2015. Collection method: clinical testing. Allele origin: de novo. Affected: yes.
Comment: This variant was identified as de novo (maternity and paternity confirmed)._x000D_ Criteria applied: PVS1, PM2_SUP, PM2_MOD

NM_001040142.2(SCN2A):c.1450del (p.Ser484fs)

Gene: SCN2A (sodium voltage-gated channel alpha subunit 2; plus strand). Cytogenetic location: 2q24.3.
Variant type: Deletion.
Coding change: c.1450del on transcript NM_001040142.2 (MANE Select); coding-DNA position 1450, one base deleted (T; older notation c.1450delT).
Protein change: p.Ser484fs; shifts the reading frame from serine 484.
Molecular consequence: frameshift variant.
Genome position (GRCh38, 1-based): chr2:165,315,537, T deleted; the last of 6 consecutive T bases (chr2:165,315,532-165,315,537); deleting any one gives the same sequence. VCF-style (leftmost placement, unchanged base first): chr2-165315531-GT-G. GRCh37 (hg19) VCF-style: chr2-166172041-GT-G.
Other names: c.1450del, p.Ser484fs (NM_001040143.2, NM_001371246.1, NM_001371247.1 and 1 more transcripts); short protein forms S484fs.
Identifiers: ClinVar variation 1679138 (VCV001679138.3), dbSNP rs2105259671, ClinGen allele CA2573133602.